The following is an entry in ClinVar:

ClinVar aggregate classification (germline): Benign/Likely benign. Review status: criteria provided, multiple submitters, no conflicts (2 of 4 stars). 4 submissions from 4 submitters: Benign (1); Likely benign (3). Last evaluated 2026-06-01.

Conditions:
TCF20-related disorder. Also called: TCF20-related condition.

Allele frequency attached by ClinVar (database versions not stated): 1000 Genomes Project 30x 0.00016; 1000 Genomes Project 0.00020; gnomAD 0.00044; ExAC 0.00048; TOPMed 0.00048; ESP Exome Variant Server 0.00062; gnomAD exomes 0.00094.
gnomAD v4.1: 1,425 of 1,614,164 alleles (0.088%); highest among the groups gnomAD compares: Non-Finnish European, 0.11%; 1 homozygote.

Submissions (4):

CeGaT Center for Human Genetics Tuebingen
Classification: Likely benign. Last evaluated: 2026-06-01. Review status: criteria provided, single submitter. Criteria: CeGaT Center For Human Genetics Tuebingen Variant Classification Criteria Version 2. Collection method: clinical testing. Allele origin: germline. Affected: yes. Observed: 2 variant alleles.
Comment: TCF20: BP4, BP7

Labcorp Genetics (formerly Invitae), Labcorp
Classification: Benign. Last evaluated: 2026-01-19. Review status: criteria provided, single submitter. Criteria: Invitae Variant Classification Sherloc (09022015). Collection method: clinical testing. Allele origin: germline.

PreventionGenetics, part of Exact Sciences
Classification: Likely benign for TCF20-related condition. Last evaluated: 2025-04-29. Review status: criteria provided, single submitter. Criteria: ACMG Guidelines, 2015. Collection method: clinical testing. Allele origin: germline.
Comment: This variant is classified as likely benign based on ACMG/AMP sequence variant interpretation guidelines (Richards et al. 2015 PMID: 25741868, with internal and published modifications).

Blueprint Genetics
Classification: Likely benign. Last evaluated: 2023-11-23. Review status: criteria provided, single submitter. Criteria: ACMG Guidelines, 2015. Collection method: clinical testing. Allele origin: germline.

NM_001378418.1(TCF20):c.5049G>A (p.Pro1683=)

Gene: TCF20 (transcription factor 20; minus strand). Cytogenetic location: 22q13.2.
Variant type: single nucleotide variant.
Coding change: c.5049G>A on transcript NM_001378418.1 (MANE Select); coding-DNA position 5049, G replaced by A.
Protein change: p.Pro1683=; no amino-acid change (proline 1683 retained).
Molecular consequence: synonymous variant.
Genome position (GRCh38, 1-based): chr22:42,210,257, C>T on the plus strand (G>A on the coding strand, the complement: TCF20 is on the minus strand). VCF-style: chr22-42210257-C-T. GRCh37 (hg19) VCF-style: chr22-42606263-C-T.
Other names: c.5049G>A, p.Pro1683= (NM_005650.4, NM_181492.3); c.5049G>A (NM_005650.3).
Identifiers: ClinVar variation 2052485 (VCV002052485.29), dbSNP rs138453240, ClinGen allele CA10266545.